The following is an entry in ClinVar:

ClinVar aggregate classification (germline): Uncertain significance. Review status: criteria provided, multiple submitters, no conflicts (2 of 4 stars). 2 submissions from 2 submitters: Uncertain significance (2). Last evaluated 2021-05-10.

Conditions:
Progressive myoclonic epilepsy. Also called: Myoclonus epilepsy; Progressive myoclonus epilepsy; Myoclonic Epilepsies, Progressive; Familial progressive myoclonic epilepsy. Identifiers: Orphanet 308, Orphanet 98261, MedGen C0751778, MONDO:0020074.

Allele frequency attached by ClinVar (database versions not stated): gnomAD exomes below 0.00001 and 0.00001; TOPMed below 0.00001.
gnomAD v4.1: 5 of 1,551,052 alleles (0.00032%); highest among the groups gnomAD compares: Non-Finnish European, 0.00044%; no homozygotes.

Submissions (2):

Labcorp Genetics (formerly Invitae), Labcorp
Classification: Uncertain significance for Progressive myoclonic epilepsy. Last evaluated: 2021-05-10. Review status: criteria provided, single submitter. Criteria: Invitae Variant Classification Sherloc (09022015). Collection method: clinical testing. Allele origin: germline.
Comment: This sequence change falls in intron 1 of the GOSR2 gene. It does not directly change the encoded amino acid sequence of the GOSR2 protein. It affects a nucleotide within the consensus splice site of the intron. This variant is not present in population databases (ExAC no frequency). This variant has not been reported in the literature in individuals with GOSR2-related conditions. ClinVar contains an entry for this variant (Variation ID: 193276). Nucleotide substitutions within the consensus splice site are a relatively common cause of aberrant splicing (PMID: 17576681, 9536098). Algorithms developed to predict the effect of sequence changes on RNA splicing suggest that this variant is not likely to affect RNA splicing, but this prediction has not been confirmed by published transcriptional studies. In summary, the available evidence is currently insufficient to determine the role of this variant in disease. Therefore, it has been classified as a Variant of Uncertain Significance.

Eurofins Ntd Llc (ga)
Classification: Uncertain significance. Last evaluated: 2014-09-20. Review status: criteria provided, single submitter. Criteria: EGL Classification Definitions 2015. Collection method: clinical testing. Allele origin: germline. Observed: 2 variant alleles, 2 heterozygotes.

Literature cited by the submitters: PubMed 17576681 (cited by Labcorp Genetics (formerly Invitae), Labcorp); PubMed 9536098 (cited by Labcorp Genetics (formerly Invitae), Labcorp).

NM_004287.5(GOSR2):c.29+3G>A

Genes: GOSR2 (golgi SNAP receptor complex member 2; plus strand), LRRC37A2 (leucine rich repeat containing 37 member A2). Cytogenetic location: 17q21.32.
Variant type: single nucleotide variant.
Coding change: c.29+3G>A on transcript NM_004287.5 (MANE Select); 3 bases into the intron after coding-DNA position 29, G replaced by A.
Molecular consequence: intron variant. On other transcripts: 5 prime UTR variant (2).
Genome position (GRCh38, 1-based): chr17:46,923,224, G>A. VCF-style: chr17-46923224-G-A. GRCh37 (hg19) VCF-style: chr17-45000590-G-A.
Other names: c.-71G>A (NM_001321134.2); c.-434G>A (NM_001363851.2); c.29+3G>A (NM_001321133.2, NM_054022.4, NM_001330252.2 and 4 more transcripts).
Identifiers: ClinVar variation 193276 (VCV000193276.8), dbSNP rs794726915, ClinGen allele CA238789.
Genomic context (GRCh38, chr17:46,923,224, plus strand): 5'-CCGGAGCCGTGGCCTGCGGGGCCGGCGACATGGATCCCCTGTTCCAGCAAACGCACAAGT[G>A]AGGGCCGGTCGGGGAGCGGGCAGGGGCTAGACGAGGCGAGGCCAGGTGAGCCTGGCTTCT-3'